The following is an entry in ClinVar:

NM_000081.4(LYST):c.3183T>A (p.Ser1061Arg)

Gene: LYST (lysosomal trafficking regulator; minus strand). Cytogenetic location: 1q42.3.
Variant type: single nucleotide variant.
Coding change: c.3183T>A on transcript NM_000081.4 (MANE Select); coding-DNA position 3183, T replaced by A.
Protein change: p.Ser1061Arg; replaces serine 1061 with arginine.
Molecular consequence: missense variant.
Genome position (GRCh38, 1-based): chr1:235,805,953, A>T on the plus strand (T>A on the coding strand, the complement: LYST is on the minus strand). VCF-style: chr1-235805953-A-T. GRCh37 (hg19) VCF-style: chr1-235969253-A-T.
Other names: c.3183T>A (NM_000081.2); c.3183T>A, p.Ser1061Arg (NM_001301365.1); short protein forms S1061R.
Identifiers: ClinVar variation 1008480 (VCV001008480.9), dbSNP rs995494916, ClinGen allele CA39616173.
Genomic context (GRCh38, chr1:235,805,953, plus strand): 5'-AGTAGCTGAAACTTCTTCCACATTTATGGAAGAAATATGCTGTAACTCTAATTTACCTAA[A>T]CTGTCAGCACTCTTTTTTAGACTACCTAGTTCTGATGGTATGGGGTCACTTTTTATAGCC-3'
Protein context (NP_000072.2, residues 1051-1071): ELGSLKKSAD[Ser1061Arg]LGKLELQHIS

ClinVar aggregate classification (germline): Uncertain significance. Review status: criteria provided, multiple submitters, no conflicts (2 of 4 stars). 2 submissions from 2 submitters: Uncertain significance (2). Last evaluated 2022-04-07.

Conditions:
Chédiak-Higashi syndrome (CHS). Also called: Chediak-Higashi Syndrome. Identifiers: Orphanet 167, MedGen C0007965, MONDO:0008963, OMIM 214500.
Inborn genetic diseases. Identifiers: MedGen C0950123, MeSH D030342.

Allele frequency attached by ClinVar (database versions not stated): gnomAD exomes below 0.00001.
gnomAD v4.1: 1 of 1,613,776 alleles (0.000062%); highest among the groups gnomAD compares: Non-Finnish European, 0.000085%; no homozygotes.

Submissions (2):

Ambry Genetics
Classification: Uncertain significance for Inborn genetic diseases. Last evaluated: 2022-04-07. Review status: criteria provided, single submitter. Criteria: Ambry Variant Classification Scheme 2023. Collection method: clinical testing. Allele origin: germline.

Labcorp Genetics (formerly Invitae), Labcorp
Classification: Uncertain significance for Chédiak-Higashi syndrome. Last evaluated: 2022-03-28. Review status: criteria provided, single submitter. Criteria: Invitae Variant Classification Sherloc (09022015). Collection method: clinical testing. Allele origin: germline.
Comment: This sequence change replaces serine, which is neutral and polar, with arginine, which is basic and polar, at codon 1061 of the LYST protein (p.Ser1061Arg). This variant is not present in population databases (gnomAD no frequency). This variant has not been reported in the literature in individuals affected with LYST-related conditions. ClinVar contains an entry for this variant (Variation ID: 1008480). Algorithms developed to predict the effect of missense changes on protein structure and function output the following: SIFT: "Tolerated"; PolyPhen-2: "Benign"; Align-GVGD: "Class C0". The arginine amino acid residue is found in multiple mammalian species, which suggests that this missense change does not adversely affect protein function. In summary, the available evidence is currently insufficient to determine the role of this variant in disease. Therefore, it has been classified as a Variant of Uncertain Significance.